The following is an entry in ClinVar:

NM_001161352.2(KCNMA1):c.1049T>G (p.Met350Arg)

Gene: KCNMA1 (potassium calcium-activated channel subfamily M alpha 1; minus strand). Cytogenetic location: 10q22.3.
Variant type: single nucleotide variant.
Coding change: c.1049T>G on transcript NM_001161352.2 (MANE Select); coding-DNA position 1049, T replaced by G.
Protein change: p.Met350Arg; replaces methionine 350 with arginine.
Molecular consequence: missense variant.
Genome position (GRCh38, 1-based): chr10:77,110,255, A>C on the plus strand (T>G on the coding strand, the complement: KCNMA1 is on the minus strand). VCF-style: chr10-77110255-A-C. GRCh37 (hg19) VCF-style: chr10-78870013-A-C.
Other names: c.1049T>G, p.Met350Arg (NM_001014797.3, NM_001161353.2, NM_001271519.2 and 8 more transcripts); c.887T>G, p.Met296Arg (NM_001271518.2); c.509T>G, p.Met170Arg (NM_001322838.2); short protein forms M350R, M170R, M296R.
Identifiers: ClinVar variation 2767388 (VCV002767388.3), dbSNP rs2551147657, ClinGen allele CA377409167.
Genomic context (GRCh38, chr10:77,110,255, plus strand): 5'-ACCATGAAGAGGCGCCCAAGTGTGGTTTTTGCATAAACATCCCCATAACCAACGGTGGAC[A>C]TTGTGACCATGAGTAAATAGACACATTCCCAGTAGGTGAGAGCCTGGTTGTTTTGGAAAT-3'
Protein context (NP_001154824.1, residues 340-360): WECVYLLMVT[Met350Arg]STVGYGDVYA

ClinVar aggregate classification (germline): Uncertain significance (1 of 4 stars; one submission).

Conditions:
Generalized epilepsy-paroxysmal dyskinesia syndrome (PNKD3). Also called: Generalized epilepsy and paroxysmal dyskinesia; Paroxysmal nonkinesigenic dyskinesia, 3, with or without generalized epilepsy. Identifiers: Orphanet 79137, MedGen C5574945, MONDO:0012276, OMIM 609446.

Submission:

Labcorp Genetics (formerly Invitae), Labcorp
Classification: Uncertain significance for Generalized epilepsy-paroxysmal dyskinesia syndrome. Last evaluated: 2023-10-10. Review status: criteria provided, single submitter. Criteria: Invitae Variant Classification Sherloc (09022015). Collection method: clinical testing. Allele origin: germline.
Comment: This sequence change replaces methionine, which is neutral and non-polar, with arginine, which is basic and polar, at codon 350 of the KCNMA1 protein (p.Met350Arg). This variant is not present in population databases (gnomAD no frequency). This variant has not been reported in the literature in individuals affected with KCNMA1-related conditions. Advanced modeling of protein sequence and biophysical properties (such as structural, functional, and spatial information, amino acid conservation, physicochemical variation, residue mobility, and thermodynamic stability) performed at Invitae indicates that this missense variant is expected to disrupt KCNMA1 protein function. In summary, the available evidence is currently insufficient to determine the role of this variant in disease. Therefore, it has been classified as a Variant of Uncertain Significance.